The following is an entry in ClinVar:

ClinVar aggregate classification (germline): Conflicting classifications of pathogenicity. Review status: criteria provided, conflicting classifications (1 of 4 stars). 9 submissions from 9 submitters: Likely pathogenic (5); Uncertain significance (4). Last evaluated 2025-03-05.

Conditions:
Autosomal recessive limb-girdle muscular dystrophy type 2A (LGMDR1). Also called: Calpainopathy; Muscular dystrophy, limb-girdle, type 2A, Amish; LEYDEN-MOEBIUS MUSCULAR DYSTROPHY; MUSCULAR DYSTROPHY, PELVOFEMORAL; Limb-girdle muscular dystrophy, type 2A. Identifiers: Orphanet 267, MedGen C1869123, MONDO:0009675, OMIM 253600. Disease mechanism: loss of function.
Muscular dystrophy, limb-girdle, autosomal dominant 4. Also called: Calpain-3-related limb-girdle muscular dystrophy D4; MUSCULAR DYSTROPHY, LIMB-GIRDLE, TYPE 1I. Identifiers: Orphanet 565909, MedGen C4748295, MONDO:0029133, OMIM 618129.

Allele frequency attached by ClinVar (database versions not stated): gnomAD exomes 0.00004; ExAC 0.00006; gnomAD 0.00006 and 0.00009; TOPMed 0.00011.
gnomAD v4.1: 41 of 1,614,028 alleles (0.0025%); highest among the groups gnomAD compares: African/African-American, 0.023%; no homozygotes.

Submissions (9):

Mayo Clinic Laboratories, Mayo Clinic
Classification: Uncertain significance. Last evaluated: 2025-03-05. Review status: criteria provided, single submitter. Criteria: ACMG Guidelines, 2015. Collection method: clinical testing. Allele origin: germline. Observed: 1 variant allele.
Comment: PP3_moderate, PM2_supporting, PM3

Labcorp Genetics (formerly Invitae), Labcorp
Classification: Likely pathogenic for Autosomal recessive limb-girdle muscular dystrophy type 2A. Last evaluated: 2024-10-17. Review status: criteria provided, single submitter. Criteria: Invitae Variant Classification Sherloc (09022015). Collection method: clinical testing. Allele origin: germline.
Comment: This sequence change replaces alanine, which is neutral and non-polar, with threonine, which is neutral and polar, at codon 771 of the CAPN3 protein (p.Ala771Thr). This variant is present in population databases (no rsID available, gnomAD 0.02%). This missense change has been observed in individual(s) with autosomal recessive limb-girdle muscular dystrophy (PMID: 31937337). In at least one individual the data is consistent with being in trans (on the opposite chromosome) from a pathogenic variant. It has also been observed to segregate with disease in related individuals. ClinVar contains an entry for this variant (Variation ID: 285728). Invitae Evidence Modeling of protein sequence and biophysical properties (such as structural, functional, and spatial information, amino acid conservation, physicochemical variation, residue mobility, and thermodynamic stability) indicates that this missense variant is not expected to disrupt CAPN3 protein function with a negative predictive value of 80%. This variant disrupts the p.Ala771 amino acid residue in CAPN3. Other variant(s) that disrupt this residue have been observed in individuals with CAPN3-related conditions (PMID: 27363342), which suggests that this may be a clinically significant amino acid residue. In summary, the currently available evidence indicates that the variant is pathogenic, but additional data are needed to prove that conclusively. Therefore, this variant has been classified as Likely Pathogenic.

Natera, Inc.
Classification: Likely pathogenic for Limb-girdle muscular dystrophy type 2A. Last evaluated: 2024-10-15. Review status: criteria provided, single submitter. Criteria: Natera Variant Classification Schema (03/2026). Collection method: clinical testing. Allele origin: germline.
Comment: The c.2311G>A variant in CAPN3 is a missense variant predicted to cause substitution of alanine to threonine at amino acid 771. This variant is rare in the general population with a frequency below the threshold expected for the associated phenotype(s). This variant has been observed in one or more individuals affected with the associated recessive disease, as either homozygous or compound heterozygous with a second variant (PMID: 31937337). Additionally, this variant has been observed to segregate in affected family members (PMID: 31937337). Computational prediction algorithms indicate this variant is likely to affect gene or protein function. Given the available evidence, this variant is classified as Likely Pathogenic.

Blueprint Genetics
Classification: Uncertain significance. Last evaluated: 2024-08-16. Review status: criteria provided, single submitter. Criteria: ACMG Guidelines, 2015. Collection method: clinical testing. Allele origin: germline.

Baylor Genetics
Classification: Likely pathogenic for Muscular dystrophy, limb-girdle, autosomal dominant 4. Last evaluated: 2024-03-12. Review status: criteria provided, single submitter. Criteria: ACMG Guidelines, 2015. Collection method: clinical testing. Allele origin: unknown.

Fulgent Genetics
Classification: Likely pathogenic for Autosomal recessive limb-girdle muscular dystrophy type 2A; Muscular dystrophy, limb-girdle, autosomal dominant 4. Last evaluated: 2024-01-09. Review status: criteria provided, single submitter. Criteria: ACMG Guidelines, 2015. Collection method: clinical testing. Allele origin: germline.

Athena Diagnostics
Classification: Likely pathogenic. Last evaluated: 2023-04-21. Review status: criteria provided, single submitter. Criteria: Athena Diagnostics Criteria. Collection method: clinical testing. Allele origin: unknown.
Comment: The frequency of this variant in the general population is consistent with pathogenicity. This variant appears to be associated with disease in at least one family, however, the available information does not rule out an apparent association due to chance. At least one other missense variant at this codon is considered to be pathogenic or likely pathogenic, suggesting this variant may also cause disease. Computational tools predict that this variant is damaging.

Revvity Omics, Revvity
Classification: Uncertain significance. Last evaluated: 2019-12-09. Review status: criteria provided, single submitter. Criteria: ACMG Guidelines, 2015. Collection method: clinical testing. Allele origin: germline.

Eurofins Ntd Llc (ga)
Classification: Uncertain significance. Last evaluated: 2016-01-23. Review status: criteria provided, single submitter. Criteria: EGL Classification Definitions 2015. Collection method: clinical testing. Allele origin: germline. Observed: 2 variant alleles, 1 heterozygote, 1 homozygote.

Literature cited by the submitters: PubMed 31937337 (cited by 4 submitters); PubMed 27363342 (cited by Labcorp Genetics (formerly Invitae), Labcorp).

NM_000070.3(CAPN3):c.2311G>A (p.Ala771Thr)

Gene: CAPN3 (calpain 3; plus strand). Cytogenetic location: 15q15.1.
Variant type: single nucleotide variant.
Coding change: c.2311G>A on transcript NM_000070.3 (MANE Select); coding-DNA position 2311, G replaced by A.
Protein change: p.Ala771Thr; replaces alanine 771 with threonine.
Molecular consequence: missense variant.
Genome position (GRCh38, 1-based): chr15:42,410,931, G>A. VCF-style: chr15-42410931-G-A. GRCh37 (hg19) VCF-style: chr15-42703129-G-A.
Other names: p.Ala771Thr; c.2293G>A, p.Ala765Thr (NM_024344.2); c.2035G>A, p.Ala679Thr (NM_173087.2); c.775G>A, p.Ala259Thr (NM_173088.2); c.316G>A, p.Ala106Thr (NM_173089.2, NM_173090.2); c.2311G>A (NM_000070.2); short protein forms A771T, A259T, A765T, A679T, A106T.
Identifiers: ClinVar variation 285728 (VCV000285728.19), dbSNP rs886043191, ClinGen allele CA7511827.
Genomic context (GRCh38, chr15:42,410,931, plus strand): 5'-GTCCCCTCCACAGGATTCCACCTCAACAACCAGCTCTATGACATCATTACCATGCGGTAC[G>A]CAGACAAACACATGAACATCGACTTTGACAGTTTCATCTGCTGCTTCGTTAGGCTGGAGG-3'
Protein context (NP_000061.1, residues 761-781): QLYDIITMRY[Ala771Thr]DKHMNIDFDS